The following is an entry in ClinVar:

ClinVar aggregate classification (germline): Pathogenic/Likely pathogenic. Review status: criteria provided, multiple submitters, no conflicts (2 of 4 stars). 19 submissions from 18 submitters: Pathogenic (14); Likely pathogenic (1). 4 of the submissions do not count toward it. Last evaluated 2026-06-26.

Conditions:
COL4A5-related disorders.
Atypical hemolytic-uremic syndrome. Identifiers: Orphanet 2134, MedGen C2931788, MONDO:0016244.
Alport syndrome. Also called: Hemorrhagic familial nephritis; Hemorrhagic hereditary nephritis; Congenital hereditary hematuria. Identifiers: Orphanet 63, MedGen C1567741, MONDO:0018965.
Autosomal dominant Alport syndrome (ATS3A). Also called: Alport syndrome dominant type; Renal failure and sensorineural hearing loss; ALPORT SYNDROME 3A, AUTOSOMAL DOMINANT. Identifiers: Orphanet 63, Orphanet 88918, MedGen C5882663, MONDO:0007086, OMIM 104200.
X-linked Alport syndrome (ATS1). Also called: COL4A5-Related Nephropathy; NEPHROPATHY AND DEAFNESS, X-LINKED. Identifiers: Orphanet 63, Orphanet 88917, MedGen C4746986, MONDO:0010520, OMIM 301050.

Allele frequency attached by ClinVar (database versions not stated): gnomAD exomes below 0.00001.
gnomAD v4.1: 2 of 1,209,034 alleles (0.00017%); highest among the groups gnomAD compares: Non-Finnish European, 0.00022%; no homozygotes.

Submissions 1 to 9 of 19:

Centre de Génétique Humaine, Institut de Pathologie Et de Génétique
Classification: Pathogenic for X-linked Alport syndrome. Last evaluated: 2026-06-26. Review status: criteria provided, single submitter. Criteria: ACMG Guidelines, 2015. Collection method: clinical testing. Allele origin: germline. Inheritance: X-linked dominant inheritance. Affected: yes. Observed: 2 variant alleles, 1 heterozygote, 1 hemizygote. Segregation with disease not observed.
Comment: This missense variant involves a highly conserved glycine located in a ‘Gly-X-Y’ motif in collagenous region, which is characteristic of the pathogenic variants identified in the COL4A5 gene (PM1,PP2). This variant is rare: allelic frequency of 0.00016% in gnomAD v4.1.0 database (PM2). Functional in vitro studies of this variant showed a secretion-dependent defect in a trimer formation assay, PMID: 29526710; PMID: 32405592; the variant is unable to restore phenotype of fly nephrocytes deficient for Col4a1, PMID: 38559272; and decresed mRNA levels when expressed in HEK293T cells, PMID: 38978054 (PS3). Two other missense variants affecting the same residue described as LP/P: c.2606G>A p.Gly869Glu, PMID: 10200983 and c.2606G>A p.Gly869Glu, PMID: 36117978 (PM5). In silico analysis supports that this missense variant has a deleterious effect (PP3). Described as LP/P in several patients with X-linked AS (PP5 strong)

Labcorp Genetics (formerly Invitae), Labcorp
Classification: Pathogenic. Last evaluated: 2025-12-24. Review status: criteria provided, single submitter. Criteria: Invitae Variant Classification Sherloc (09022015). Collection method: clinical testing. Allele origin: germline.
Comment: This sequence change replaces glycine, which is neutral and non-polar, with arginine, which is basic and polar, at codon 869 of the COL4A5 protein (p.Gly869Arg). This variant is not present in population databases (gnomAD no frequency). This missense change has been observed in individuals with Alport syndrome (PMID: 7599631, 30577881). This variant is also known as c.2808G>A. ClinVar contains an entry for this variant (Variation ID: 24543). Invitae Evidence Modeling of protein sequence and biophysical properties (such as structural, functional, and spatial information, amino acid conservation, physicochemical variation, residue mobility, and thermodynamic stability) indicates that this missense variant is expected to disrupt COL4A5 protein function with a positive predictive value of 95%. This variant disrupts the triple helix domain of COL4A5. Glycine residues within the Gly-Xaa-Yaa repeats of the triple helix domain are required for the structure and stability of fibrillar collagens (PMID: 7695699, 8218237, 19344236). In COL4A5, missense variants at these glycine residues are significantly enriched in individuals with disease (PMID: 23720012, 27627812) compared to the general population (ExAC). For these reasons, this variant has been classified as Pathogenic.

GeneDx
Classification: Pathogenic. Last evaluated: 2025-11-02. Review status: criteria provided, single submitter. Criteria: GeneDx Variant Classification Process June 2021. Collection method: clinical testing. Allele origin: germline. Affected: yes.
Comment: Published functional studies demonstrate increased intracellular retention and reduced secretion in comparison to wild-type (PMID: 32405592); Affects a glycine residue in a Gly-X-Y motif in the triple helical region of the COL4A5 gene, where the majority of pathogenic missense variants occur, and is predicted to disrupt normal protein folding and function (HGMD; PMID: 10752524); Not observed at significant frequency in large population cohorts (gnomAD); In silico analysis supports that this missense variant has a deleterious effect on protein structure/function; This variant is associated with the following publications: (PMID: 8651296, 10094548, 22921432, 8940267, 37100867, 8893151, 7599631, 9848783, 23144074, 21505094, 27859054, 27436620, 30773290, 30577881, 30647093, 32405592, 35675912, 31328266, 38978054, 37225412, 38790222, 10752524)

Genomic Medicine Center of Excellence, King Faisal Specialist Hospital and Research Centre
Classification: Pathogenic for X-linked Alport syndrome. Last evaluated: 2025-09-10. Review status: criteria provided, single submitter. Criteria: ACMG Guidelines, 2015. Collection method: clinical testing. Allele origin: germline.

Laboratory of Genetics, Children's Clinical University Hospital Latvia
Classification: Pathogenic. Last evaluated: 2025-02-16. Review status: criteria provided, single submitter. Criteria: ACMG Guidelines, 2015. Collection method: clinical testing. Allele origin: germline. Affected: yes.

Renal Laboratory, Department of Pathology, All India Institute of Medical Sciences
Classification: Pathogenic for X-linked Alport syndrome. Last evaluated: 2024-11-29. Review status: criteria provided, single submitter. Criteria: ASSERTION CRITERIA FOR CLINVAR VARIANT CLASSIFICATION. Collection method: research. Allele origin: germline. Inheritance: X-linked inheritance. Affected: yes. Observed: 1 variant allele, 1 hemizygote.
Comment: The observed segregation of the c.2605G>A (p.Gly869Arg) variant within the family strongly supports the X-linked mode of inheritance. In this pattern, male individuals harboring the variant in a hemizygous state manifest the disease phenotype, whereas female carriers may remain asymptomatic or present with variable expressivity depending on X-inactivation. The substitution of glycine with arginine residue (positively charged amino-acid) at position of 869 within the critical collagen triple helix domain represents a non-conservative change, predicted to disrupt the protein’s helical structure. In-silico analyses strongly support its pathogenic effect on COL4A5 function and structure. This mutation was validated on Sanger sequencing.

Women's Health and Genetics/Laboratory Corporation of America, LabCorp
Classification: Pathogenic for X-linked Alport syndrome. Last evaluated: 2024-04-23. Review status: criteria provided, single submitter. Criteria: LabCorp Variant Classification Summary - May 2015. Collection method: clinical testing. Allele origin: germline.
Comment: Variant summary: COL4A5 c.2605G>A (p.Gly869Arg) results in a non-conservative amino acid change located within the triple-helical region (UniProt) of the encoded protein sequence. This missense variant disrupts a critical glycine residue at position 1 of a Gly-X-Y repeat in the collagenous domain of the collagen IV alpha 5 chain, and variants affecting these glycine residues are significantly enriched in individuals with Alport syndrome (PMID: 33854215). Five of five in-silico tools predict a damaging effect of the variant on protein function. The variant was absent in 182139 control chromosomes. c.2605G>A has been reported in the literature in individuals affected with Alport Syndrome 1, X-Linked Recessive (example, Connaughton_2019, Hashimura_2014, Ma_2011). These data indicate that the variant is likely to be associated with disease. To our knowledge, no experimental evidence demonstrating an impact on protein function has been reported. The following publications have been ascertained in the context of this evaluation (PMID: 30773290, 24304881, 21505094). ClinVar contains an entry for this variant (Variation ID: 24543). Based on the evidence outlined above, the variant was classified as pathogenic.

Fulgent Genetics
Classification: Pathogenic for X-linked Alport syndrome. Last evaluated: 2024-04-20. Review status: criteria provided, single submitter. Criteria: ACMG Guidelines, 2015. Collection method: clinical testing. Allele origin: germline.

Blueprint Genetics
Classification: Pathogenic for COL4A5-related disorders. Last evaluated: 2023-12-18. Review status: criteria provided, single submitter. Criteria: ACMG Guidelines, 2015. Collection method: clinical testing. Allele origin: germline. Affected: yes. Observed: 5 variant alleles.

NM_033380.3(COL4A5):c.2605G>A (p.Gly869Arg)

Gene: COL4A5 (collagen type IV alpha 5 chain; plus strand). Cytogenetic location: Xq22.3.
Variant type: single nucleotide variant.
Coding change: c.2605G>A on transcript NM_033380.3 (MANE Select); coding-DNA position 2605, G replaced by A.
Protein change: p.Gly869Arg; replaces glycine 869 with arginine.
Molecular consequence: missense variant.
Genome position (GRCh38, 1-based): chrX:108,620,354, G>A. VCF-style: chrX-108620354-G-A. GRCh37 (hg19) VCF-style: chrX-107863584-G-A.
Other names: p.G869R; c.2605G>A, p.Gly869Arg (NM_000495.5); short protein forms G869R.
Identifiers: ClinVar variation 24543 (VCV000024543.36), dbSNP rs104886189, ClinGen allele CA258720.
Genomic context (GRCh38, chrX:108,620,354, plus strand): 5'-GGACCTCCTGGACTTGATGTTCCAGGACCCCCAGGTGAAAGAGGCAGTCCAGGGATCCCC[G>A]GAGCACCTGGTCCTATAGGACCTCCAGGATCACCAGGGCTTCCAGGAAAAGCAGGTGCCT-3'
Protein context (NP_203699.1, residues 859-879): PGERGSPGIP[Gly869Arg]APGPIGPPGS